The following is an entry in ClinVar:

NM_000264.5(PTCH1):c.1772T>C (p.Ile591Thr)

Genes: PTCH1 (patched 1; minus strand), LOC100507346 (uncharacterized LOC100507346; plus strand). Cytogenetic location: 9q22.32.
Variant type: single nucleotide variant.
Coding change: c.1772T>C on transcript NM_000264.5 (MANE Select); coding-DNA position 1772, T replaced by C.
Protein change: p.Ile591Thr; replaces isoleucine 591 with threonine.
Molecular consequence: missense variant. On other transcripts: non-coding transcript variant (2).
Genome position (GRCh38, 1-based): chr9:95,469,888, A>G on the plus strand (T>C on the coding strand, the complement: PTCH1 is on the minus strand). VCF-style: chr9-95469888-A-G. GRCh37 (hg19) VCF-style: chr9-98232170-A-G.
Other names: c.1574T>C, p.Ile525Thr (NM_001083602.3); c.1769T>C, p.Ile590Thr (NM_001083603.3); c.1319T>C, p.Ile440Thr (NM_001083604.3, NM_001083605.3, NM_001083606.3 and 1 more transcripts); c.1616T>C, p.Ile539Thr (NM_001354918.2); short protein forms I525T, I440T, I591T, I539T, I590T.
Identifiers: ClinVar variation 2198056 (VCV002198056.6), dbSNP rs2118094624, ClinGen allele CA374116384.

ClinVar aggregate classification (germline): Uncertain significance. Review status: criteria provided, multiple submitters, no conflicts (2 of 4 stars). 2 submissions from 2 submitters: Uncertain significance (2). Last evaluated 2026-05-06.

Conditions:
Hereditary cancer-predisposing syndrome. Also called: Tumor predisposition; Hereditary Cancer Syndrome; Hereditary neoplastic syndrome; Neoplastic Syndromes, Hereditary. Identifiers: Orphanet 140162, MedGen C0027672, MeSH D009386, MONDO:0015356.
Gorlin syndrome. Also called: Nevoid Basal Cell Carcinoma Syndrome; Basal cell nevus syndrome. Identifiers: Orphanet 377, MedGen C0004779, MONDO:0007187.

Submissions (2):

Ambry Genetics
Classification: Uncertain significance for Hereditary cancer-predisposing syndrome. Last evaluated: 2026-05-06. Review status: criteria provided, single submitter. Criteria: Ambry Variant Classification Scheme 2023. Collection method: clinical testing. Allele origin: germline.
Comment: The p.I591T variant (also known as c.1772T>C), located in coding exon 13 of the PTCH1 gene, results from a T to C substitution at nucleotide position 1772. The isoleucine at codon 591 is replaced by threonine, an amino acid with similar properties. This amino acid position is conserved. In addition, this alteration is predicted to be deleterious by in silico analysis. Based on the available evidence, the clinical significance of this variant remains unclear.

Labcorp Genetics (formerly Invitae), Labcorp
Classification: Uncertain significance for Gorlin syndrome. Last evaluated: 2023-07-17. Review status: criteria provided, single submitter. Criteria: Invitae Variant Classification Sherloc (09022015). Collection method: clinical testing. Allele origin: germline.
Comment: In summary, the available evidence is currently insufficient to determine the role of this variant in disease. Therefore, it has been classified as a Variant of Uncertain Significance. Advanced modeling of protein sequence and biophysical properties (such as structural, functional, and spatial information, amino acid conservation, physicochemical variation, residue mobility, and thermodynamic stability) performed at Invitae indicates that this missense variant is not expected to disrupt PTCH1 protein function. ClinVar contains an entry for this variant (Variation ID: 2198056). This variant has not been reported in the literature in individuals affected with PTCH1-related conditions. This variant is not present in population databases (gnomAD no frequency). This sequence change replaces isoleucine, which is neutral and non-polar, with threonine, which is neutral and polar, at codon 591 of the PTCH1 protein (p.Ile591Thr).